The following is an entry in ClinVar:

NM_001367561.1(DOCK7):c.6213-5C>G

Gene: DOCK7 (dedicator of cytokinesis 7; minus strand). Cytogenetic location: 1p31.3.
Variant type: single nucleotide variant.
Coding change: c.6213-5C>G on transcript NM_001367561.1 (MANE Select); 5 bases into the intron before coding-DNA position 6213, C replaced by G.
Molecular consequence: intron variant.
Genome position (GRCh38, 1-based): chr1:62,457,710, G>C on the plus strand (C>G on the coding strand, the complement: DOCK7 is on the minus strand). VCF-style: chr1-62457710-G-C. GRCh37 (hg19) VCF-style: chr1-62923381-G-C.
Other names: c.6087-5C>G (NM_001272001.2); c.6093-5C>G (NM_001272000.2); c.6120-5C>G (NM_033407.4, NM_033407.2); c.6180-5C>G (NM_001271999.2); c.6186-5C>G (NM_001330614.2).
Identifiers: ClinVar variation 771085 (VCV000771085.15), dbSNP rs192197842, ClinGen allele CA885258.

ClinVar aggregate classification (germline): Conflicting classifications of pathogenicity. Review status: criteria provided, conflicting classifications (1 of 4 stars). 4 submissions from 4 submitters: Uncertain significance (1); Likely benign (2). 1 of the submissions does not count toward it. Last evaluated 2026-09-14.

Conditions:
Inborn genetic diseases. Identifiers: MedGen C0950123, MeSH D030342.
DOCK7-related disorder. Also called: DOCK7-related condition.
Developmental and epileptic encephalopathy, 23 (DEE23). Also called: Epileptic encephalopathy, early infantile, 23. Identifiers: Orphanet 411986, MedGen C4014492, MONDO:0014371, OMIM 615859.

Allele frequency attached by ClinVar (database versions not stated): 1000 Genomes Project 30x 0.00016; 1000 Genomes Project 0.00020; gnomAD exomes 0.00025 and 0.00063; ExAC 0.00027; gnomAD 0.00041; TOPMed 0.00047; ESP Exome Variant Server 0.00077.
gnomAD v4.1: 965 of 1,609,944 alleles (0.06%); highest among the groups gnomAD compares: Non-Finnish European, 0.077%; no homozygotes.

Submissions (6):

Ambry Genetics
Classification: Uncertain significance for Inborn genetic diseases. Last evaluated: 2026-09-14. Review status: criteria provided, single submitter. Criteria: Ambry Variant Classification Scheme 2023. Collection method: clinical testing. Allele origin: germline.
Comment: The c.6120-5C>G intronic alteration consists of a C to G substitution 5 nucleotides before coding exon 48 in the DOCK7 gene. Based on data from gnomAD, the G allele has an overall frequency of 0.026% (72/278638) total alleles studied. The highest observed frequency was 0.047% (60/127954) of European (non-Finnish) alleles. Based on insufficient or conflicting evidence, the clinical significance of this alteration remains unclear.

Labcorp Genetics (formerly Invitae), Labcorp
Classification: Likely benign for Developmental and epileptic encephalopathy, 23. Last evaluated: 2026-01-05. Review status: criteria provided, single submitter. Criteria: Invitae Variant Classification Sherloc (09022015). Collection method: clinical testing. Allele origin: germline.

Blueprint Genetics
Classification: Likely benign. Last evaluated: 2024-08-29. Review status: criteria provided, single submitter. Criteria: ACMG Guidelines, 2015. Collection method: clinical testing. Allele origin: germline.

PreventionGenetics, part of Exact Sciences
Classification: Likely benign for DOCK7-related condition. Last evaluated: 2019-04-05. Review status: no assertion criteria provided. Collection method: clinical testing. Allele origin: germline. Not counted in ClinVar's aggregate classification.
Comment: This variant is classified as likely benign based on ACMG/AMP sequence variant interpretation guidelines (Richards et al. 2015 PMID: 25741868, with internal and published modifications).

Dr. Peter K. Rogan Lab, Western University
No classification provided (evidence only). Condition: Familial cancer of breast. Review status: no classification provided. Collection method: in vitro. Allele origin: not applicable. Functional consequence: retained intron. Not counted in ClinVar's aggregate classification.

Dr. Peter K. Rogan Lab, Western University
No classification provided (evidence only). Condition: Acute myeloid leukemia. Review status: no classification provided. Collection method: in vitro. Allele origin: not applicable. Functional consequence: retained intron. Not counted in ClinVar's aggregate classification.